The following is an entry in ClinVar:

NM_152383.5(DIS3L2):c.2151C>T (p.Ala717=)

Gene: DIS3L2 (DIS3 like 3'-5' exoribonuclease 2; plus strand). Cytogenetic location: 2q37.1.
Variant type: single nucleotide variant.
Coding change: c.2151C>T on transcript NM_152383.5 (MANE Select); coding-DNA position 2151, C replaced by T.
Protein change: p.Ala717=; no amino-acid change (alanine 717 retained).
Molecular consequence: synonymous variant. On other transcripts: non-coding transcript variant (2), intron variant (1).
Genome position (GRCh38, 1-based): chr2:232,333,980, C>T. VCF-style: chr2-232333980-C-T. GRCh37 (hg19) VCF-style: chr2-233198690-C-T.
Other names: c.1582-9365C>T (NM_001257281.2).
Identifiers: ClinVar variation 334944 (VCV000334944.18), dbSNP rs747739911, ClinGen allele CA2164406.

ClinVar aggregate classification (germline): Conflicting classifications of pathogenicity. Review status: criteria provided, conflicting classifications (1 of 4 stars). 3 submissions from 3 submitters: Uncertain significance (1); Likely benign (1). 1 of the submissions does not count toward it. Last evaluated 2023-08-02.

Conditions:
DIS3L2-related disorder. Also called: DIS3L2-related condition.
Perlman syndrome (PRLMNS). Identifiers: Orphanet 2849, MedGen C0796113, MONDO:0009965, OMIM 267000.

Allele frequency attached by ClinVar (database versions not stated): ExAC 0.00001; gnomAD exomes 0.00001.
gnomAD v4.1: 8 of 1,610,250 alleles (0.0005%); highest among the groups gnomAD compares: South Asian, 0.0033%; no homozygotes.

Submissions (3):

Labcorp Genetics (formerly Invitae), Labcorp
Classification: Likely benign for Perlman syndrome. Last evaluated: 2023-08-02. Review status: criteria provided, single submitter. Criteria: Invitae Variant Classification Sherloc (09022015). Collection method: clinical testing. Allele origin: germline.

Illumina Laboratory Services, Illumina
Classification: Uncertain significance for Perlman syndrome. Last evaluated: 2018-01-13. Review status: criteria provided, single submitter. Criteria: ICSL Variant Classification Criteria 13 December 2019. Collection method: clinical testing. Allele origin: germline.

PreventionGenetics, part of Exact Sciences
Classification: Likely benign for DIS3L2-related condition. Last evaluated: 2022-04-11. Review status: no assertion criteria provided. Collection method: clinical testing. Allele origin: germline. Not counted in ClinVar's aggregate classification.
Comment: This variant is classified as likely benign based on ACMG/AMP sequence variant interpretation guidelines (Richards et al. 2015 PMID: 25741868, with internal and published modifications).